The following is an entry in ClinVar:

NM_000059.4(BRCA2):c.5542del (p.Ser1848fs)

Gene: BRCA2 (BRCA2 DNA repair associated; plus strand). Cytogenetic location: 13q13.1.
Variant type: Deletion.
Coding change: c.5542del on transcript NM_000059.4 (MANE Select); coding-DNA position 5542, one base deleted (A; older notation c.5542delA).
Protein change: p.Ser1848fs; shifts the reading frame from serine 1848.
Molecular consequence: frameshift variant.
Genome position (GRCh38, 1-based): chr13:32,339,897, A deleted. VCF-style (leftmost placement, unchanged base first): chr13-32339896-CA-C. GRCh37 (hg19) VCF-style: chr13-32914033-CA-C.
Other names: 5770delA; c.5542delA (NM_000059.3).
Identifiers: ClinVar variation 51878 (VCV000051878.43), dbSNP rs80359519, ClinGen allele CA022522.
Genomic context (GRCh38, chr13:32,339,896, plus strand): 5'-TAAATTGTCCATATCTAATAGTAATAATTTTGAGGTAGGGCCACCTGCATTTAGGATAGC[CA>C]GTGGTAAAATCGTTTGTGTTTCACATGAAACAATTAAAAAAGTGAAAGACATATTTACAG-3'

ClinVar aggregate classification (germline): Pathogenic. Review status: reviewed by expert panel (3 of 4 stars). 15 submissions from 15 submitters: Pathogenic (1). 14 of the submissions do not count toward it. Last evaluated 2016-09-08.

Conditions:
Hereditary cancer-predisposing syndrome. Also called: Hereditary Cancer Syndrome; Tumor predisposition; Neoplastic Syndromes, Hereditary; Hereditary neoplastic syndrome. Identifiers: Orphanet 140162, MedGen C0027672, MeSH D009386, MONDO:0015356.
Hereditary breast ovarian cancer syndrome. Also called: Hereditary breast and ovarian cancer syndrome; Breast and ovarian cancer; BRCA1- and BRCA2-Associated Hereditary Breast and Ovarian Cancer; Hereditary breast and ovarian cancer; Hereditary breast and ovarian cancer syndrome (HBOC); Hereditary breast and/or ovarian cancer syndrome. Identifiers: Orphanet 145, MedGen C0677776, MeSH D061325, MONDO:0003582. Disease mechanism: loss of function.
Breast-ovarian cancer, familial, susceptibility to, 2 (BROVCA2). Also called: BRCA2 Hereditary Breast and Ovarian Cancer. Identifiers: Orphanet 145, MedGen C2675520, MONDO:0012933, OMIM 612555. Disease mechanism: loss of function.
Familial cancer of breast. Also called: hereditary breast carcinoma; Hereditary breast cancer; BREAST CANCER, FAMILIAL. Identifiers: Orphanet 227535, MedGen C0346153, MONDO:0016419, OMIM 114480. Disease mechanism: loss of function.

Allele frequency attached by ClinVar (database versions not stated): ExAC 0.00001; gnomAD exomes below 0.00001.

Submissions 1 to 9 of 15:

Evidence-based Network for the Interpretation of Germline Mutant Alleles (ENIGMA)
Classification: Pathogenic for Breast-ovarian cancer, familial, susceptibility to, 2. Last evaluated: 2016-09-08. Review status: reviewed by expert panel. Criteria: ENIGMA BRCA1/2 Classification Criteria (2015). Collection method: curation. Allele origin: germline.
Comment: Variant allele predicted to encode a truncated non-functional protein.

Labcorp Genetics (formerly Invitae), Labcorp
Classification: Pathogenic for Hereditary breast ovarian cancer syndrome. Last evaluated: 2026-01-06. Review status: criteria provided, single submitter. Criteria: Invitae Variant Classification Sherloc (09022015). Collection method: clinical testing. Allele origin: germline. Not counted in ClinVar's aggregate classification.
Comment: This sequence change creates a premature translational stop signal (p.Ser1848Valfs*15) in the BRCA2 gene. It is expected to result in an absent or disrupted protein product. Loss-of-function variants in BRCA2 are known to be pathogenic (PMID: 20104584). This variant is present in population databases (rs80359519, gnomAD 0.003%). This premature translational stop signal has been observed in individual(s) with breast cancer (PMID: 25371446). This variant is also known as 5770delA. ClinVar contains an entry for this variant (Variation ID: 51878). For these reasons, this variant has been classified as Pathogenic.

Variantyx, Inc.
Classification: Pathogenic for Breast-ovarian cancer, familial, susceptibility to, 2. Last evaluated: 2025-08-22. Review status: criteria provided, single submitter. Criteria: Variantyx Assertion Criteria 2022. Collection method: clinical testing. Allele origin: germline. Inheritance: Autosomal dominant inheritance. Affected: yes. Not counted in ClinVar's aggregate classification.
Comment: This is a frameshift variant in the BRCA2 gene (OMIM: 600185). Pathogenic variants in this gene have been associated with autosomal dominant susceptibility to familial breast-ovarian cancer 2. This variant introduces a premature termination codon in exon 11 out of 27 and is expected to result in loss of function, which is a known disease mechanism for BRCA2 in this disorder (PMID: 20104584) (PVS1). This truncating variant occurs in exon 11, where different proven pathogenic truncating variants have been seen before (PMID: 39142283) (PM5_Strong). Other reputable laboratories have reported this variant as pathogenic or likely pathogenic, and this classification has been validated by an expert panel in ClinVar. This variant has a 0.0023% maximum allele frequency in non-founder control populations. Based on the current evidence, this variant is classified as pathogenic for autosomal dominant susceptibility to familial breast-ovarian cancer 2.

Ambry Genetics
Classification: Pathogenic for Hereditary cancer-predisposing syndrome. Last evaluated: 2024-08-16. Review status: criteria provided, single submitter. Criteria: Ambry Variant Classification Scheme 2023. Collection method: clinical testing. Allele origin: germline. Not counted in ClinVar's aggregate classification.
Comment: The c.5542delA pathogenic mutation, located in coding exon 10 of the BRCA2 gene, results from a deletion of one nucleotide at nucleotide position 5542, causing a translational frameshift with a predicted alternate stop codon (p.S1848Vfs*15). This mutation has been reported in multiple individuals with breast and/or ovarian cancer (Tung N et al. Cancer, 2015 Jan;121:25-33; Torres-Mej&iacute;a G et al, 2015 Mar;24:498-505; Fern&aacute;ndez-Lopez JC et al. Hum Genomics, 2019 01;13:3; Gallardo-Rinc&oacute;n D et al. Transl Oncol, 2020 Feb;13:212-220). This alteration has also been reported in six Hispanic families and classified as a pathogenic mutation in the Consortium of Investigators of Modifiers of BRCA1/2 (CIMBA) database (Rebbeck TR et al. Hum Mutat, 2018 05;39:593-620). In addition to the clinical data presented in the literature, this alteration is expected to result in loss of function by premature protein truncation or nonsense-mediated mRNA decay. As such, this alteration is interpreted as a disease-causing mutation.

GeneDx
Classification: Pathogenic. Last evaluated: 2024-02-06. Review status: criteria provided, single submitter. Criteria: GeneDx Variant Classification Process June 2021. Collection method: clinical testing. Allele origin: germline. Affected: yes. Not counted in ClinVar's aggregate classification.
Comment: Frameshift variant predicted to result in protein truncation or nonsense mediated decay in a gene for which loss-of-function is a known mechanism of disease; Not observed at significant frequency in large population cohorts (gnomAD); Truncating variants in this gene are considered pathogenic by a well-established clinical consortium and/or database; Also known as 5770delA; This variant is associated with the following publications: (PMID: 25371446, 26564481, 28152038, 29446198, 30630528, 28888541, 25186627, 30720243, 10923033, 30787465, 29922827, 34413315, 31853058, 31869745, 35406420, 31433991)

Institute for Genomic Medicine (IGM) Clinical Laboratory, Nationwide Children's Hospital
Classification: Pathogenic for Hereditary cancer-predisposing syndrome. Last evaluated: 2024-01-01. Review status: criteria provided, single submitter. Criteria: ACMG Guidelines, 2015. Collection method: clinical testing. Allele origin: germline. Not counted in ClinVar's aggregate classification.
Comment: This variant is predicted to result in loss of function through nonsense-mediated decay of the encoded transcript or premature truncation of the encoded protein in a gene in which loss of function is a known mechanism of disease (ACMG/AMP: PVS1; PMID:20104584). This variant has been reported at an elevated frequency in affected individuals/in multiple affected individuals in the literature (ACMG/AMP: PS4; PMIDs:25371446, 25186627, 29446198, 30630528, 31869745). This variant is absent from or present at an exceedingly low frequency in gnomAD, a large-scale control population database (ACMG/AMP: PM2).

Baylor Genetics
Classification: Pathogenic for Familial cancer of breast. Last evaluated: 2023-07-15. Review status: criteria provided, single submitter. Criteria: ACMG Guidelines, 2015. Collection method: clinical testing. Allele origin: unknown. Not counted in ClinVar's aggregate classification.

Quest Diagnostics Nichols Institute San Juan Capistrano
Classification: Pathogenic. Last evaluated: 2023-05-11. Review status: criteria provided, single submitter. Criteria: Quest Diagnostics criteria. Collection method: clinical testing. Allele origin: unknown. Not counted in ClinVar's aggregate classification.
Comment: This frameshift variant alters the translational reading frame of the BRCA2 mRNA and causes the premature termination of BRCA2 protein synthesis. In the published literature, the variant has been reported in individuals with breast and/or ovarian cancer (PMIDs: 34413315 (2021), 31869745 (2020), 30630528 (2019), 29446198 (2018), 28888541 (2017), 25186627 (2015), 25371446 (2014)). The frequency of this variant in the general population, 0.000004 (1/248448 chromosomes), is consistent with pathogenicity. Based on the available information, this variant is classified as pathogenic.

ARUP Laboratories, Molecular Genetics and Genomics, ARUP Laboratories
Classification: Pathogenic. Last evaluated: 2022-12-29. Review status: criteria provided, single submitter. Criteria: ARUP Molecular Germline Variant Investigation Process 2024. Collection method: clinical testing. Allele origin: germline. Not counted in ClinVar's aggregate classification.
Comment: The BRCA2 c.5542delA; p.Ser1848fs variant (rs80359519) is reported in the literature in an individual with a personal and family history of breast cancer (Torres-Mejia 2015). This variant is also reported in ClinVar (Variation ID: 51878) and is classified as pathogenic by the evidence-based network for the interpretation of germline mutant alleles (ENIGMA) expert panel (see link to ENIGMA consortium classification criteria). This variant is found on a single chromosome in the Genome Aggregation Database (1/248448 alleles), indicating it is not a common polymorphism. This variant causes a frameshift by deleting a single nucleotide, so it is predicted to result in a truncated protein or mRNA subject to nonsense-mediated decay. Additionally, other downstream truncating variants have been reported in individuals with breast and/or ovarian cancer and are considered disease-causing (Tedaldi 2017). Based on available information, the p.Ser1848fs variant is considered to be pathogenic. References: Link to ENIGMA classification criteria: Tedaldi G et al. Multiple-gene panel analysis in a case series of 255 women with hereditary breast and ovarian cancer. Oncotarget. 2017 Jul 18;8(29):47064-47075. PMID: 28423363. Torres-Mejia G et al. Recurrent BRCA1 and BRCA2 mutations in Mexican women with breast cancer. Cancer Epidemiol Biomarkers Prev. 2015 Mar;24(3):498-505. PMID: 25371446.